The following is an entry in ClinVar:

NM_001127496.3(SPRY4):c.-47-4598C>G

Gene: SPRY4 (sprouty RTK signaling antagonist 4; minus strand). Cytogenetic location: 5q31.3.
Variant type: single nucleotide variant.
Coding change: c.-47-4598C>G on transcript NM_001127496.3 (MANE Select); 4598 bases into the intron before 47 bases upstream of the start codon, C replaced by G.
Molecular consequence: intron variant. On other transcripts: 5 prime UTR variant (1), missense variant (1).
Genome position (GRCh38, 1-based): chr5:142,319,753, G>C on the plus strand (C>G on the coding strand, the complement: SPRY4 is on the minus strand). VCF-style: chr5-142319753-G-C. GRCh37 (hg19) VCF-style: chr5-141699318-G-C.
Other names: c.-68C>G (NM_001293289.3); c.13C>G, p.Leu5Val (NM_030964.5); c.-48+4137C>G (NM_001293290.3); short protein forms L5V.
Identifiers: ClinVar variation 1332906 (VCV001332906.3), dbSNP rs202113451, ClinGen allele CA3485675.
Genomic context (GRCh38, chr5:142,319,753, plus strand): 5'-GCGGGTCTGGGAGCCCAGAACCAGCCAGTCTGACACTCACTGCATTTGTACCTGTGGGGA[G>C]GGGGCTGAGCATCAGGCTGCAAACCGCTCAATACAGGCTGGCTGAAAAGAATCAAGAGGC-3'

ClinVar aggregate classification (germline): Uncertain significance (1 of 4 stars; one submission).

Allele frequency attached by ClinVar (database versions not stated): gnomAD 0.00001; ExAC 0.00002; gnomAD exomes 0.00002; TOPMed 0.00002.
gnomAD v4.1: 60 of 1,612,450 alleles (0.0037%); highest among the groups gnomAD compares: Non-Finnish European, 0.005%; no homozygotes.

Submission:

Centre of Medical Genetics, University Hospital Muenster
Classification: Uncertain significance. Last evaluated: 2021-02-12. Review status: criteria provided, single submitter. Criteria: ACMG Guidelines, 2015. Collection method: clinical testing. Allele origin: unknown. Affected: yes. Observed: 1 variant allele, 1 heterozygote.
Comment: ACMG categories: PM2,PP2,BP4